The following is an entry in ClinVar:

NM_000238.4(KCNH2):c.2762dup (p.Arg922fs)

Gene: KCNH2 (potassium voltage-gated channel subfamily H member 2; minus strand). Cytogenetic location: 7q36.1.
Variant type: Duplication.
Coding change: c.2762dup on transcript NM_000238.4 (MANE Select); coding-DNA position 2762, one base duplicated (G; older notation c.2762dupG).
Protein change: p.Arg922fs; shifts the reading frame from arginine 922.
Molecular consequence: frameshift variant.
Genome position (GRCh38, 1-based): chr7:150,947,809, C duplicated on the plus strand (G on the coding strand, the reverse complement: KCNH2 is on the minus strand); the first of 4 consecutive C bases (chr7:150,947,809-150,947,812); duplicating any one gives the same sequence. VCF-style (leftmost placement, unchanged base first): chr7-150947808-G-GC. GRCh37 (hg19) VCF-style: chr7-150644896-G-GC.
Other names: c.2471dup, p.Arg826Profs (NM_001406753.1); c.1742dup, p.Arg582fs (NM_172057.3); c.2762dupG (NM_000238.3); short protein forms R582fs, R922fs.
Identifiers: ClinVar variation 1795706 (VCV001795706.5), dbSNP rs1584845263, ClinGen allele CA2580077746.

ClinVar aggregate classification (germline): Pathogenic. Review status: criteria provided, multiple submitters, no conflicts (2 of 4 stars). 2 submissions from 2 submitters: Pathogenic (2). Last evaluated 2023-08-25.

Conditions:
Cardiovascular phenotype. Identifiers: MedGen CN230736.
Long QT syndrome (LQTS). Identifiers: MedGen C0023976, MeSH D008133, MONDO:0002442. Disease mechanism: loss of function. Inheritance: Various modes of inheritance.

Submissions (2):

Labcorp Genetics (formerly Invitae), Labcorp
Classification: Pathogenic for Long QT syndrome. Last evaluated: 2023-08-25. Review status: criteria provided, single submitter. Criteria: Invitae Variant Classification Sherloc (09022015). Collection method: clinical testing. Allele origin: germline.
Comment: This sequence change creates a premature translational stop signal (p.Arg922Profs*18) in the KCNH2 gene. It is expected to result in an absent or disrupted protein product. Loss-of-function variants in KCNH2 are known to be pathogenic (PMID: 10973849, 19862833). This variant is not present in population databases (gnomAD no frequency). This variant has not been reported in the literature in individuals affected with KCNH2-related conditions. ClinVar contains an entry for this variant (Variation ID: 1795706). For these reasons, this variant has been classified as Pathogenic.

Ambry Genetics
Classification: Pathogenic for Cardiovascular phenotype. Last evaluated: 2018-11-21. Review status: criteria provided, single submitter. Criteria: Ambry Variant Classification Scheme 2023. Collection method: clinical testing. Allele origin: germline.
Comment: The c.2762dupG pathogenic mutation, located in coding exon 12 of the KCNH2 gene, results from a duplication of G at nucleotide position 2762, causing a translational frameshift with a predicted alternate stop codon (p.R922Pfs*18). This alteration is expected to result in loss of function by premature protein truncation or nonsense-mediated mRNA decay. As such, this alteration is interpreted as a disease-causing mutation.

Literature cited by the submitters: PubMed 10973849 (cited by Labcorp Genetics (formerly Invitae), Labcorp); PubMed 19862833 (cited by Labcorp Genetics (formerly Invitae), Labcorp).